The following is an entry in ClinVar:

ClinVar aggregate classification (germline): Uncertain significance. Review status: criteria provided, multiple submitters, no conflicts (2 of 4 stars). 2 submissions from 2 submitters: Uncertain significance (2). Last evaluated 2024-03-18.

Conditions:
Agammaglobulinemia 4, autosomal recessive (AGM4). Also called: B cell linker protein deficiency; AGAMMAGLOBULINEMIA, AUTOSOMAL RECESSIVE, DUE TO BLNK DEFECT. Identifiers: MedGen C3150752, MONDO:0013289, OMIM 613502.
Inborn genetic diseases. Identifiers: MedGen C0950123, MeSH D030342.

Allele frequency attached by ClinVar (database versions not stated): gnomAD exomes below 0.00001 and 0.00006; ExAC 0.00001; gnomAD 0.00003 and 0.00004; TOPMed 0.00003.
gnomAD v4.1: 85 of 1,613,220 alleles (0.0053%); highest among the groups gnomAD compares: Non-Finnish European, 0.0071%; no homozygotes.

Submissions (2):

Ambry Genetics
Classification: Uncertain significance for Inborn genetic diseases. Last evaluated: 2024-03-18. Review status: criteria provided, single submitter. Criteria: Ambry Variant Classification Scheme 2023. Collection method: clinical testing. Allele origin: germline.

Labcorp Genetics (formerly Invitae), Labcorp
Classification: Uncertain significance for Agammaglobulinemia 4, autosomal recessive. Last evaluated: 2022-09-13. Review status: criteria provided, single submitter. Criteria: Invitae Variant Classification Sherloc (09022015). Collection method: clinical testing. Allele origin: germline.
Comment: This sequence change replaces alanine, which is neutral and non-polar, with valine, which is neutral and non-polar, at codon 176 of the BLNK protein (p.Ala176Val). This variant is present in population databases (rs782568875, gnomAD 0.0009%). This variant has not been reported in the literature in individuals affected with BLNK-related conditions. ClinVar contains an entry for this variant (Variation ID: 958224). Algorithms developed to predict the effect of missense changes on protein structure and function output the following: SIFT: "Tolerated"; PolyPhen-2: "Benign"; Align-GVGD: "Class C0". The valine amino acid residue is found in multiple mammalian species, which suggests that this missense change does not adversely affect protein function. In summary, the available evidence is currently insufficient to determine the role of this variant in disease. Therefore, it has been classified as a Variant of Uncertain Significance.

NM_013314.4(BLNK):c.527C>T (p.Ala176Val)

Gene: BLNK (B cell linker; minus strand). Cytogenetic location: 10q24.1.
Variant type: single nucleotide variant.
Coding change: c.527C>T on transcript NM_013314.4 (MANE Select); coding-DNA position 527, C replaced by T.
Protein change: p.Ala176Val; replaces alanine 176 with valine.
Molecular consequence: missense variant. On other transcripts: non-coding transcript variant (4), intron variant (1).
Genome position (GRCh38, 1-based): chr10:96,216,733, G>A on the plus strand (C>T on the coding strand, the complement: BLNK is on the minus strand). VCF-style: chr10-96216733-G-A. GRCh37 (hg19) VCF-style: chr10-97976489-G-A.
Other names: c.527C>T, p.Ala176Val (NM_001114094.2, NM_001258440.2, NM_001258441.2); c.350-1401C>T (NM_001258442.2); short protein forms A176V.
Identifiers: ClinVar variation 958224 (VCV000958224.8), dbSNP rs782568875, ClinGen allele CA5623425.